The following is an entry in ClinVar:

NM_000384.3(APOB):c.6193G>T (p.Asp2065Tyr)

Gene: APOB (apolipoprotein B; minus strand). Cytogenetic location: 2p24.1.
Variant type: single nucleotide variant.
Coding change: c.6193G>T on transcript NM_000384.3 (MANE Select); coding-DNA position 6193, G replaced by T.
Protein change: p.Asp2065Tyr; replaces aspartic acid 2065 with tyrosine.
Molecular consequence: missense variant.
Genome position (GRCh38, 1-based): chr2:21,010,675, C>A on the plus strand (G>T on the coding strand, the complement: APOB is on the minus strand). VCF-style: chr2-21010675-C-A. GRCh37 (hg19) VCF-style: chr2-21233547-C-A.
Other names: short protein forms D2065Y.
Identifiers: ClinVar variation 3753601 (VCV003753601.2).
Genomic context (GRCh38, chr2:21,010,675, plus strand): 5'-GATTCCTCTCAAAATATTCTTGCAAGGTCTCAAAAAATGGGAGGTTAATGGAGTGAACAT[C>A]TTGGTTTTTATCATACTTTACAAAAGCAACAATTGTAAATTCTTGGGGCTTCTCAACGGC-3'
Protein context (NP_000375.3, residues 2055-2075): VAFVKYDKNQ[Asp2065Tyr]VHSINLPFFE

ClinVar aggregate classification (germline): Uncertain significance (1 of 4 stars; one submission).

Conditions:
Familial hypobetalipoproteinemia 1. Also called: APOB-Related Familial Hypobetalipoproteinemia; Hypobetalipoproteinemia, normotriglyceridemic; Acanthocytosis with hypobetalipoproteinemia. Identifiers: MedGen C4551990, MONDO:0014252, OMIM 615558.
Hypercholesterolemia, autosomal dominant, type B (FHCL2). Also called: Familial Hypercholesterolemia Type B; APOLIPOPROTEIN B-100, FAMILIAL DEFECTIVE; APOLIPOPROTEIN B-100, FAMILIAL LIGAND-DEFECTIVE; HYPERCHOLESTEROLEMIA, FAMILIAL, DUE TO LIGAND-DEFECTIVE APOLIPOPROTEIN B; Hyperlipoproteinemia Type IIb; Familial hypercholesterolemia 2. Identifiers: MedGen C1704417, MONDO:0007751, OMIM 144010.

gnomAD v4.1: 1 of 1,614,022 alleles (0.000062%); highest among the groups gnomAD compares: Non-Finnish European, 0.000085%; no homozygotes.

Submission:

Labcorp Genetics (formerly Invitae), Labcorp
Classification: Uncertain significance for Familial hypobetalipoproteinemia 1; Hypercholesterolemia, autosomal dominant, type B. Last evaluated: 2024-08-29. Review status: criteria provided, single submitter. Criteria: Invitae Variant Classification Sherloc (09022015). Collection method: clinical testing. Allele origin: germline.
Comment: This sequence change replaces aspartic acid, which is acidic and polar, with tyrosine, which is neutral and polar, at codon 2065 of the APOB protein (p.Asp2065Tyr). This variant is not present in population databases (gnomAD no frequency). This variant has not been reported in the literature in individuals affected with APOB-related conditions. Invitae Evidence Modeling of protein sequence and biophysical properties (such as structural, functional, and spatial information, amino acid conservation, physicochemical variation, residue mobility, and thermodynamic stability) indicates that this missense variant is not expected to disrupt APOB protein function with a negative predictive value of 95%. In summary, the available evidence is currently insufficient to determine the role of this variant in disease. Therefore, it has been classified as a Variant of Uncertain Significance.